The following is an entry in ClinVar:

ClinVar aggregate classification (germline): Pathogenic/Likely pathogenic. Review status: criteria provided, multiple submitters, no conflicts (2 of 4 stars). 4 submissions from 4 submitters: Pathogenic (2); Likely pathogenic (2). Last evaluated 2025-07-23.

Conditions:
Landau-Kleffner syndrome (FESD). Also called: EPILEPSY, FOCAL, WITH SPEECH DISORDER AND WITH OR WITHOUT MENTAL RETARDATION; APHASIA, ACQUIRED, WITH EPILEPSY. Identifiers: Orphanet 1945, Orphanet 725, Orphanet 98818, MedGen C0282512, MONDO:0009509, OMIM 245570.

Submissions (4):

Labcorp Genetics (formerly Invitae), Labcorp
Classification: Pathogenic for Landau-Kleffner syndrome. Last evaluated: 2025-07-23. Review status: criteria provided, single submitter. Criteria: Invitae Variant Classification Sherloc (09022015). Collection method: clinical testing. Allele origin: germline.
Comment: This sequence change replaces methionine, which is neutral and non-polar, with threonine, which is neutral and polar, at codon 817 of the GRIN2A protein (p.Met817Thr). This variant is not present in population databases (gnomAD no frequency). This missense change has been observed in individual(s) with clinical features of GRIN2A-related conditions (PMID: 28333917, 30544257). In at least one individual the variant was observed to be de novo. ClinVar contains an entry for this variant (Variation ID: 803217). Invitae Evidence Modeling of protein sequence and biophysical properties (such as structural, functional, and spatial information, amino acid conservation, physicochemical variation, residue mobility, and thermodynamic stability) has been performed for this missense variant. However, the output from this modeling did not meet the statistical confidence thresholds required to predict the impact of this variant on GRIN2A protein function. For these reasons, this variant has been classified as Pathogenic.

Institute of Human Genetics Munich, TUM University Hospital
Classification: Pathogenic for Landau-Kleffner syndrome. Last evaluated: 2020-03-26. Review status: criteria provided, single submitter. Criteria: Classification criteria August 2017. Collection method: clinical testing. Allele origin: de novo. Inheritance: Autosomal dominant inheritance. Affected: yes. Observed: 1 heterozygote.

Mendelics
Classification: Likely pathogenic for Landau-Kleffner syndrome. Last evaluated: 2019-05-28. Review status: criteria provided, single submitter. Criteria: Mendelics Assertion Criteria 2017. Collection method: clinical testing. Allele origin: unknown.

Institute of Human Genetics, University of Leipzig Medical Center
Classification: Likely pathogenic for Landau-Kleffner syndrome. Last evaluated: 2019-01-01. Review status: criteria provided, single submitter. Criteria: ACMG Guidelines, 2015. Collection method: research. Allele origin: de novo. Affected: yes.

Literature cited by the submitters: PubMed 28333917 (cited by Labcorp Genetics (formerly Invitae), Labcorp); PubMed 30544257 (cited by Labcorp Genetics (formerly Invitae), Labcorp and Institute of Human Genetics, University of Leipzig Medical Center).

NM_001134407.3(GRIN2A):c.2450T>C (p.Met817Thr)

Gene: GRIN2A (glutamate ionotropic receptor NMDA type subunit 2A; minus strand). Cytogenetic location: 16p13.2.
Variant type: single nucleotide variant.
Coding change: c.2450T>C on transcript NM_001134407.3 (MANE Select); coding-DNA position 2450, T replaced by C.
Protein change: p.Met817Thr; replaces methionine 817 with threonine.
Molecular consequence: missense variant.
Genome position (GRCh38, 1-based): chr16:9,768,996, A>G on the plus strand (T>C on the coding strand, the complement: GRIN2A is on the minus strand). VCF-style: chr16-9768996-A-G. GRCh37 (hg19) VCF-style: chr16-9862853-A-G.
Other names: c.2450T>C, p.Met817Thr (NM_000833.5, NM_001134408.2); short protein forms M817T.
Identifiers: ClinVar variation 803217 (VCV000803217.10), dbSNP rs1064796608, ClinGen allele CA394710109.
Genomic context (GRCh38, chr16:9,768,996, plus strand): 5'-CAGATGAAGGTGATGAGGCTAAGGGCCATGGCGGCAGCCAGCATGTAGAATACGCCCGCC[A>G]TGTTGTCAATGTCCAGCTGGCTGCTCATCACCTCGTTCTTCTCGTTGTGGCAGATCCCAG-3'
Protein context (NP_001127879.1, residues 807-827): VMSSQLDIDN[Met817Thr]AGVFYMLAAA